The following is an entry in ClinVar:

NM_173630.4(RTTN):c.1008-4G>T

Gene: RTTN (rotatin; minus strand). Cytogenetic location: 18q22.2.
Variant type: single nucleotide variant.
Coding change: c.1008-4G>T on transcript NM_173630.4 (MANE Select); 4 bases into the intron before coding-DNA position 1008, G replaced by T.
Molecular consequence: intron variant.
Genome position (GRCh38, 1-based): chr18:70,190,723, C>A on the plus strand (G>T on the coding strand, the complement: RTTN is on the minus strand). VCF-style: chr18-70190723-C-A. GRCh37 (hg19) VCF-style: chr18-67857959-C-A.
Other names: c.-1546-4G>T (NM_001318520.2).
Identifiers: ClinVar variation 130164 (VCV000130164.16), dbSNP rs151203272, ClinGen allele CA154983.

ClinVar aggregate classification (germline): Benign. Review status: criteria provided, multiple submitters, no conflicts (2 of 4 stars). 6 submissions from 6 submitters: Benign (3). 3 of the submissions do not count toward it. Last evaluated 2026-01-26.

Allele frequency attached by ClinVar (database versions not stated): 1000 Genomes Project 30x 0.00500; 1000 Genomes Project 0.00519; TOPMed 0.00942; gnomAD 0.01144 and 0.01176; ESP Exome Variant Server 0.01222.
gnomAD v4.1: 23,091 of 1,588,202 alleles (1.5%); highest among the groups gnomAD compares: Non-Finnish European, 1.7%; 213 homozygotes.

Submissions (6):

Labcorp Genetics (formerly Invitae), Labcorp
Classification: Benign. Last evaluated: 2026-01-26. Review status: criteria provided, single submitter. Criteria: Invitae Variant Classification Sherloc (09022015). Collection method: clinical testing. Allele origin: germline.

GeneDx
Classification: Benign. Last evaluated: 2016-12-08. Review status: criteria provided, single submitter. Criteria: GeneDx Variant Classification (06012015). Collection method: clinical testing. Allele origin: germline. Affected: yes.
Comment: This variant is considered likely benign or benign based on one or more of the following criteria: it is a conservative change, it occurs at a poorly conserved position in the protein, it is predicted to be benign by multiple in silico algorithms, and/or has population frequency not consistent with disease.

Breakthrough Genomics
Classification: Benign. Review status: criteria provided, single submitter. Criteria: ACMG Guidelines, 2015. Collection method: not provided. Allele origin: germline. Inheritance: Autosomal recessive inheritance. Affected: yes.

Clinical Genetics DNA and cytogenetics Diagnostics Lab, Erasmus MC, Erasmus Medical Center
Classification: Benign. Review status: no assertion criteria provided. Collection method: clinical testing. Allele origin: germline. Affected: yes. Study: VKGL Data-share Consensus. Not counted in ClinVar's aggregate classification.

Genetic Services Laboratory, University of Chicago
Classification: Likely benign for AllHighlyPenetrant. Review status: no assertion criteria provided. Collection method: clinical testing. Allele origin: germline. Inheritance: Autosomal recessive inheritance. Not counted in ClinVar's aggregate classification.
Comment: Likely benign based on allele frequency in 1000 Genomes Project or ESP global frequency and its presence in a patient with a rare or unrelated disease phenotype. NOT Sanger confirmed.

Laboratory of Diagnostic Genome Analysis, Leiden University Medical Center (LUMC)
Classification: Likely benign. Review status: no assertion criteria provided. Collection method: clinical testing. Allele origin: germline. Affected: yes. Study: VKGL Data-share Consensus. Not counted in ClinVar's aggregate classification.